The following is an entry in ClinVar:

NM_000488.4(SERPINC1):c.1235G>A (p.Ser412Asn)

Gene: SERPINC1 (serpin family C member 1; minus strand). Cytogenetic location: 1q25.1.
Variant type: single nucleotide variant.
Coding change: c.1235G>A on transcript NM_000488.4 (MANE Select); coding-DNA position 1235, G replaced by A.
Protein change: p.Ser412Asn; replaces serine 412 with asparagine.
Molecular consequence: missense variant.
Genome position (GRCh38, 1-based): chr1:173,904,049, C>T on the plus strand (G>A on the coding strand, the complement: SERPINC1 is on the minus strand). VCF-style: chr1-173904049-C-T. GRCh37 (hg19) VCF-style: chr1-173873187-C-T.
Other names: c.1091G>A, p.Ser364Asn (NM_001365052.2); c.1358G>A, p.Ser453Asn (NM_001386302.1); c.1316G>A, p.Ser439Asn (NM_001386303.1); c.1214G>A, p.Ser405Asn (NM_001386304.1); c.1178G>A, p.Ser393Asn (NM_001386305.1); c.1019G>A, p.Ser340Asn (NM_001386306.1); short protein forms S340N, S412N, S393N, S405N, S453N, S364N, S439N.
Identifiers: ClinVar variation 2173708 (VCV002173708.4), dbSNP rs1657379892, ClinGen allele CA343772665.

ClinVar aggregate classification (germline): Uncertain significance (1 of 4 stars; one submission).

Conditions:
Hereditary antithrombin deficiency (AT3D). Also called: Antithrombin III deficiency; Thrombophilia due to antithrombin III deficiency; Reduced antithrombin III activity; Antithrombin deficiency. Identifiers: Orphanet 82, MedGen C0272375, MONDO:0013144, OMIM 613118, HP:0001976.

Allele frequency attached by ClinVar (database versions not stated): gnomAD exomes below 0.00001; TOPMed below 0.00001; gnomAD 0.00001.
gnomAD v4.1: 2 of 1,614,076 alleles (0.00012%); highest among the groups gnomAD compares: Non-Finnish European, 0.00017%; no homozygotes.

Submission:

Labcorp Genetics (formerly Invitae), Labcorp
Classification: Uncertain significance for Hereditary antithrombin deficiency. Last evaluated: 2022-01-14. Review status: criteria provided, single submitter. Criteria: Invitae Variant Classification Sherloc (09022015). Collection method: clinical testing. Allele origin: germline.
Comment: In summary, the available evidence is currently insufficient to determine the role of this variant in disease. Therefore, it has been classified as a Variant of Uncertain Significance. Algorithms developed to predict the effect of missense changes on protein structure and function (SIFT, PolyPhen-2, Align-GVGD) all suggest that this variant is likely to be disruptive. This variant has not been reported in the literature in individuals affected with SERPINC1-related conditions. This variant is not present in population databases (gnomAD no frequency). This sequence change replaces serine, which is neutral and polar, with asparagine, which is neutral and polar, at codon 412 of the SERPINC1 protein (p.Ser412Asn).